The following is an entry in ClinVar:

NM_013436.5(NCKAP1):c.373G>A (p.Val125Ile)

Gene: NCKAP1 (NCK associated protein 1; minus strand). Cytogenetic location: 2q32.1.
Variant type: single nucleotide variant.
Coding change: c.373G>A on transcript NM_013436.5 (MANE Select); coding-DNA position 373, G replaced by A.
Protein change: p.Val125Ile; replaces valine 125 with isoleucine.
Molecular consequence: missense variant.
Genome position (GRCh38, 1-based): chr2:183,002,266, C>T on the plus strand (G>A on the coding strand, the complement: NCKAP1 is on the minus strand). VCF-style: chr2-183002266-C-T. GRCh37 (hg19) VCF-style: chr2-183866994-C-T.
Other names: c.367G>A, p.Val123Ile (NM_001437266.1); c.385G>A, p.Val129Ile (NM_001437267.1); c.391G>A, p.Val131Ile (NM_205842.3); short protein forms V129I, V123I, V131I, V125I.
Identifiers: ClinVar variation 4995438 (VCV004995438.1).

ClinVar aggregate classification (germline): Uncertain significance (1 of 4 stars; one submission).

Conditions:
NCKAP1-related disorder. Also called: NCKAP1-related condition.

Submission:

PreventionGenetics, part of Exact Sciences
Classification: Uncertain significance for NCKAP1-related condition. Last evaluated: 2026-04-20. Review status: criteria provided, single submitter. Criteria: ACMG Guidelines, 2015. Collection method: clinical testing. Allele origin: germline.
Comment: The NCKAP1 c.391G>A variant is predicted to result in the amino acid substitution p.Val131Ile. To our knowledge, this variant has not been reported in the literature or in a large population database (gnomAD), indicating this variant is rare. At this time, the clinical significance of this variant is uncertain due to the absence of conclusive functional and genetic evidence.